The following is an entry in ClinVar:

ClinVar aggregate classification (germline): Uncertain significance (1 of 4 stars; one submission).

Conditions:
Inborn genetic diseases. Identifiers: MedGen C0950123, MeSH D030342.

gnomAD v4.1: 1 of 1,609,994 alleles (0.000062%); highest among the groups gnomAD compares: Admixed American, 0.0017%; no homozygotes.

Submission:

Ambry Genetics
Classification: Uncertain significance for Inborn genetic diseases. Last evaluated: 2023-05-15. Review status: criteria provided, single submitter. Criteria: Ambry Variant Classification Scheme 2023. Collection method: clinical testing. Allele origin: germline.
Comment: The p.H1672R variant (also known as c.5015A>G), located in coding exon 28 of the ATR gene, results from an A to G substitution at nucleotide position 5015. The histidine at codon 1672 is replaced by arginine, an amino acid with highly similar properties. This amino acid position is conserved. In addition, the in silico prediction for this alteration is inconclusive. Since supporting evidence is limited at this time, the clinical significance of this alteration remains unclear.

NM_001184.4(ATR):c.5015A>G (p.His1672Arg)

Gene: ATR (ATR checkpoint kinase; minus strand). Cytogenetic location: 3q23.
Variant type: single nucleotide variant.
Coding change: c.5015A>G on transcript NM_001184.4 (MANE Select); coding-DNA position 5015, A replaced by G.
Protein change: p.His1672Arg; replaces histidine 1672 with arginine.
Molecular consequence: missense variant.
Genome position (GRCh38, 1-based): chr3:142,507,947, T>C on the plus strand (A>G on the coding strand, the complement: ATR is on the minus strand). VCF-style: chr3-142507947-T-C. GRCh37 (hg19) VCF-style: chr3-142226789-T-C.
Other names: c.4823A>G, p.His1608Arg (NM_001354579.2); short protein forms H1608R, H1672R.
Identifiers: ClinVar variation 2562508 (VCV002562508.2), dbSNP rs767171676, ClinGen allele CA354820387.